The following is an entry in ClinVar:

ClinVar aggregate classification (germline): Uncertain significance (1 of 4 stars; one submission).

Conditions:
Nemaline myopathy 2 (NEM2). Also called: Nemaline myopathy 2, autosomal recessive. Identifiers: MedGen C1850569, MONDO:0009725, OMIM 256030.

Submission:

Labcorp Genetics (formerly Invitae), Labcorp
Classification: Uncertain significance for Nemaline myopathy 2. Last evaluated: 2021-08-12. Review status: criteria provided, single submitter. Criteria: Invitae Variant Classification Sherloc (09022015). Collection method: clinical testing. Allele origin: germline.
Comment: This sequence change replaces lysine with asparagine at codon 3628 of the NEB protein (p.Lys3628Asn). The lysine residue is moderately conserved and there is a moderate physicochemical difference between lysine and asparagine. This variant is not present in population databases (ExAC no frequency). This variant has not been reported in the literature in individuals affected with NEB-related conditions. Algorithms developed to predict the effect of missense changes on protein structure and function are either unavailable or do not agree on the potential impact of this missense change (SIFT: "Deleterious"; PolyPhen-2: "Not Available"; Align-GVGD: "Class C0"). In summary, the available evidence is currently insufficient to determine the role of this variant in disease. Therefore, it has been classified as a Variant of Uncertain Significance.

NM_001164508.2(NEB):c.10884G>T (p.Lys3628Asn)

Gene: NEB (nebulin; minus strand). Cytogenetic location: 2q23.3.
Variant type: single nucleotide variant.
Coding change: c.10884G>T on transcript NM_001164508.2 (MANE Select); coding-DNA position 10884, G replaced by T.
Protein change: p.Lys3628Asn; replaces lysine 3628 with asparagine.
Molecular consequence: missense variant.
Genome position (GRCh38, 1-based): chr2:151,618,467, C>A on the plus strand (G>T on the coding strand, the complement: NEB is on the minus strand). VCF-style: chr2-151618467-C-A. GRCh37 (hg19) VCF-style: chr2-152474981-C-A.
Other names: c.10884G>T, p.Lys3628Asn (NM_001164507.2, NM_001271208.2); c.10155G>T, p.Lys3385Asn (NM_004543.5); short protein forms K3628N, K3385N.
Identifiers: ClinVar variation 1523689 (VCV001523689.3), dbSNP rs2154017407, ClinGen allele CA348786732.